The following is an entry in ClinVar:

NC_012920.1(MT-CO3):m.9285A>G

Gene: MT-CO3 (mitochondrially encoded cytochrome c oxidase III; plus strand).
Variant type: single nucleotide variant.
Genome position: chrM-9285-A-G.
Identifiers: ClinVar variation 693137 (VCV000693137.1), dbSNP rs1603222213, ClinGen allele CA414802601.
Genomic context (GRCh38, chrMT:9,285, plus strand): 5'-GCCTATCATATAGTAAAACCCAGCCCATGACCCCTAACAGGGGCCCTCTCAGCCCTCCTA[A>G]TGACCTCCGGCCTAGCCATGTGATTTCACTTCCACTCCATAACGCTCCTCATACTAGGCC-3'

ClinVar aggregate classification (germline): Likely benign (1 of 4 stars; one submission).

Conditions:
Leigh syndrome (NULS). Also called: Leigh's necrotizing encephalopathy; Leigh's disease; Leigh Syndrome (mtDNA deletion); Leigh Disease; Subacute necrotizing encephalopathy; Necrotizing encephalopathy infantile subacute of Leigh. Identifiers: Orphanet 506, MedGen C2931891, MONDO:0009723, OMIM 256000.

Submission:

Wong Mito Lab, Molecular and Human Genetics, Baylor College of Medicine
Classification: Likely benign for Leigh syndrome. Last evaluated: 2019-10-17. Review status: criteria provided, single submitter. Criteria: Modified ACMG Guidelines (Unpublished). Collection method: clinical testing. Allele origin: germline.
Comment: The NC_012920.1:m.9285A>G (YP_003024032.1:p.Met27Val) variant in MTCO3 gene is interpretated to be a Likely Benign variant based on the modified ACMG guidelines (unpublished). This variant meets the following evidence codes: BP4, BP6